The following is an entry in ClinVar:

NM_032977.4(CASP10):c.1415+18T>A

Gene: CASP10 (caspase 10; plus strand). Cytogenetic location: 2q33.1.
Variant type: single nucleotide variant.
Coding change: c.1415+18T>A on transcript NM_032977.4 (MANE Select); 18 bases into the intron after coding-DNA position 1415, T replaced by A.
Molecular consequence: intron variant.
Genome position (GRCh38, 1-based): chr2:201,209,580, T>A. VCF-style: chr2-201209580-T-A. GRCh37 (hg19) VCF-style: chr2-202074303-T-A.
Other names: c.1415+18T>A (NM_032974.5); c.1286+18T>A (NM_001206542.2, NM_001230.5); c.*501+18T>A (NM_032976.4); c.1214+18T>A (NM_001206524.2).
Identifiers: ClinVar variation 509054 (VCV000509054.10), dbSNP rs111608359, ClinGen allele CA2053244.
Genomic context (GRCh38, chr2:201,209,580, plus strand): 5'-ATATTCAGTCTCTGTGTAATCATCTGAAGAAATTGGTCCCAAGGTGAGAGCTCTTTTTTT[T>A]CTTCCATTTGTAATTAATTAGTTTTATTTATTTTTTATTTTACTCTCATTCAACACCTTT-3'

ClinVar aggregate classification (germline): Benign/Likely benign. Review status: criteria provided, multiple submitters, no conflicts (2 of 4 stars). 3 submissions from 3 submitters: Benign (1); Likely benign (2). Last evaluated 2026-02-01.

Conditions:
Autoimmune lymphoproliferative syndrome type 2A (ALPS2A). Also called: CASP10-Related Autoimmune Lymphoproliferative Syndrome; AUTOIMMUNE LYMPHOPROLIFERATIVE SYNDROME, TYPE IIA; Autoimmune lymphoproliferative syndrome type 2. Identifiers: Orphanet 3261, MedGen C1858968, MONDO:0011383, OMIM 603909.

Allele frequency attached by ClinVar (database versions not stated): ESP Exome Variant Server 0.00148; ExAC 0.00170; gnomAD exomes 0.00208 and 0.00249; gnomAD 0.00274; 1000 Genomes Project 30x 0.00094; 1000 Genomes Project 0.00120; TOPMed 0.00127.
gnomAD v4.1: 3,867 of 1,595,876 alleles (0.24%); highest among the groups gnomAD compares: Non-Finnish European, 0.26%; 6 homozygotes.

Submissions (3):

Labcorp Genetics (formerly Invitae), Labcorp
Classification: Benign for Autoimmune lymphoproliferative syndrome type 2A. Last evaluated: 2026-02-01. Review status: criteria provided, single submitter. Criteria: Invitae Variant Classification Sherloc (09022015). Collection method: clinical testing. Allele origin: germline.

Blueprint Genetics
Classification: Likely benign. Last evaluated: 2024-11-26. Review status: criteria provided, single submitter. Criteria: ACMG Guidelines, 2015. Collection method: clinical testing. Allele origin: germline.

GeneDx
Classification: Likely benign. Last evaluated: 2017-04-13. Review status: criteria provided, single submitter. Criteria: GeneDx Variant Classification (06012015). Collection method: clinical testing. Allele origin: germline. Affected: yes.
Comment: This variant is considered likely benign or benign based on one or more of the following criteria: it is a conservative change, it occurs at a poorly conserved position in the protein, it is predicted to be benign by multiple in silico algorithms, and/or has population frequency not consistent with disease.